The following is an entry in ClinVar:

ClinVar aggregate classification (germline): Uncertain significance (1 of 4 stars; one submission).

Allele frequency attached by ClinVar (database versions not stated): gnomAD exomes 0.00001; TOPMed 0.00004.
gnomAD v4.1: 18 of 1,593,780 alleles (0.0011%); highest among the groups gnomAD compares: Non-Finnish European, 0.0015%; no homozygotes.

Submission:

Labcorp Genetics (formerly Invitae), Labcorp
Classification: Uncertain significance. Last evaluated: 2021-12-11. Review status: criteria provided, single submitter. Criteria: Invitae Variant Classification Sherloc (09022015). Collection method: clinical testing. Allele origin: germline.
Comment: Algorithms developed to predict the effect of missense changes on protein structure and function are either unavailable or do not agree on the potential impact of this missense change (SIFT: "Tolerated"; PolyPhen-2: "Probably Damaging"; Align-GVGD: "Class C0"). In summary, the available evidence is currently insufficient to determine the role of this variant in disease. Therefore, it has been classified as a Variant of Uncertain Significance. This variant has not been reported in the literature in individuals affected with COL13A1-related conditions. The frequency data for this variant in the population databases is considered unreliable, as metrics indicate poor data quality at this position in the gnomAD database. This sequence change replaces arginine, which is basic and polar, with glutamine, which is neutral and polar, at codon 108 of the COL13A1 protein (p.Arg108Gln).

NM_001368882.1(COL13A1):c.323G>A (p.Arg108Gln)

Gene: COL13A1 (collagen type XIII alpha 1 chain; plus strand). Cytogenetic location: 10q22.1.
Variant type: single nucleotide variant.
Coding change: c.323G>A on transcript NM_001368882.1 (MANE Select); coding-DNA position 323, G replaced by A.
Protein change: p.Arg108Gln; replaces arginine 108 with glutamine.
Molecular consequence: missense variant. On other transcripts: 5 prime UTR variant (1).
Genome position (GRCh38, 1-based): chr10:69,822,397, G>A. VCF-style: chr10-69822397-G-A. GRCh37 (hg19) VCF-style: chr10-71582153-G-A.
Other names: c.323G>A, p.Arg108Gln (NM_001130103.2, NM_001320951.2, NM_001368883.1 and 11 more transcripts); c.-331G>A (NM_001368886.1); short protein forms R108Q.
Identifiers: ClinVar variation 1491363 (VCV001491363.5), dbSNP rs1000620598, ClinGen allele CA209369306.